The following is an entry in ClinVar:

NM_000277.3(PAH):c.338_341del (p.Lys113fs)

Gene: PAH (phenylalanine hydroxylase; minus strand). Cytogenetic location: 12q23.2.
Variant type: Deletion.
Coding change: c.338_341del on transcript NM_000277.3 (MANE Select); coding-DNA positions 338 to 341, 4 bases deleted (AGAA; older notation c.338_341delAGAA).
Protein change: p.Lys113fs; shifts the reading frame from lysine 113.
Molecular consequence: frameshift variant.
Genome position (GRCh38, 1-based): chr12:102,894,746-102,894,749, TTCT deleted on the plus strand (AGAA on the coding strand, the reverse complement: PAH is on the minus strand); deleting any 4 consecutive bases within chr12:102,894,746-102,894,750 gives the same sequence; the c. name uses the placement nearest the transcript's 3' end. VCF-style (leftmost placement, unchanged base first): chr12-102894745-CTTCT-C. GRCh37 (hg19) VCF-style: chr12-103288523-CTTCT-C.
Other names: NM_001354304.2:c.338_341del; c.338_341del, p.Lys113fs (NM_001354304.2); short protein forms K113fs.
Identifiers: ClinVar variation 2682161 (VCV002682161.1), dbSNP rs2499521071, ClinGen allele CA16020767.

ClinVar aggregate classification (germline): Pathogenic (3 of 4 stars; one submission).

Conditions:
Phenylketonuria (PKU). Also called: Phenylketonurias; FOLLING DISEASE; OLIGOPHRENIA PHENYLPYRUVICA; Phenylketonuria (PKU). Identifiers: Orphanet 716, MedGen C0031485, MONDO:0009861, OMIM 261600. Disease mechanism: loss of function.

Submission:

ClinGen PAH Variant Curation Expert Panel
Classification: Pathogenic for Phenylketonuria. Last evaluated: 2023-10-13. Review status: reviewed by expert panel. Criteria: ClinGen PAH ACMG Specifications v1. Collection method: curation. Allele origin: germline. Inheritance: Autosomal recessive inheritance.
Comment: The c.338_341del (p.Lys113ArgfsTer81) variant in PAH is a frameshift predicted to cause a premature stop codon in exon 3 leading to nonsense mediated decay exon. It is absent in gnomAD. In summary, this variant meets criteria to be classified as pathogenic for PAH. PAH-specific ACMG/AMP criteria applied: PVS1, PP4, PM2_supporting.